The following is an entry in ClinVar:

NM_001278064.2(GRM1):c.2546C>T (p.Ala849Val)

Gene: GRM1 (glutamate metabotropic receptor 1; plus strand). Cytogenetic location: 6q24.3.
Variant type: single nucleotide variant.
Coding change: c.2546C>T on transcript NM_001278064.2 (MANE Select); coding-DNA position 2546, C replaced by T.
Protein change: p.Ala849Val; replaces alanine 849 with valine.
Molecular consequence: missense variant.
Genome position (GRCh38, 1-based): chr6:146,399,585, C>T. VCF-style: chr6-146399585-C-T. GRCh37 (hg19) VCF-style: chr6-146720721-C-T.
Other names: c.2546C>T, p.Ala849Val (NM_001278065.2, NM_001278066.1, NM_001278067.1); short protein forms A849V.
Identifiers: ClinVar variation 3571941 (VCV003571941.1).

ClinVar aggregate classification (germline): Uncertain significance (1 of 4 stars; one submission).

gnomAD v4.1: 5 of 1,613,828 alleles (0.00031%); highest among the groups gnomAD compares: Non-Finnish European, 0.00042%; no homozygotes.

Submission:

Athena Diagnostics
Classification: Uncertain significance. Last evaluated: 2024-03-29. Review status: criteria provided, single submitter. Criteria: Athena Diagnostics Criteria. Collection method: clinical testing. Allele origin: unknown.
Comment: Available data are insufficient to determine the clinical significance of the variant at this time. The frequency of this variant in the general population is uninformative in assessment of its pathogenicity. Computational tools predict that this variant is damaging.